The following is an entry in ClinVar:

NM_197968.4(ZMYM2):c.3426_3430del (p.Tyr1143fs)

Gene: ZMYM2 (zinc finger MYM-type containing 2; plus strand). Cytogenetic location: 13q12.11.
Variant type: Deletion.
Coding change: c.3426_3430del on transcript NM_197968.4 (MANE Select); coding-DNA positions 3426 to 3430, 5 bases deleted (CTATT; older notation c.3426_3430delCTATT).
Protein change: p.Tyr1143fs; shifts the reading frame from tyrosine 1143.
Molecular consequence: frameshift variant. On other transcripts: non-coding transcript variant (1).
Genome position (GRCh38, 1-based): chr13:20,067,363-20,067,367, CTATT deleted; deleting any 5 consecutive bases within chr13:20,067,362-20,067,367 gives the same sequence; the c. name uses the placement nearest the transcript's 3' end. VCF-style (leftmost placement, unchanged base first): chr13-20067361-ATCTAT-A. GRCh37 (hg19) VCF-style: chr13-20641501-ATCTAT-A.
Other names: c.3426_3430del, p.Tyr1143fs (NM_001190964.4, NM_001190965.4, NM_001353157.2 and 5 more transcripts); c.3231_3235del, p.Tyr1078fs (NM_001353161.3); c.3165_3169del, p.Tyr1056fs (NM_001353163.2); short protein forms Y1056fs, Y1078fs, Y1143fs.
Identifiers: ClinVar variation 4076344 (VCV004076344.1).

ClinVar aggregate classification (germline): Likely pathogenic (1 of 4 stars; one submission).

Conditions:
Neurodevelopmental-craniofacial syndrome with variable renal and cardiac abnormalities. Identifiers: MedGen C5561984, MONDO:0859190, OMIM 619522.

Submission:

Laboratorio de Genetica e Diagnostico Molecular, Hospital Israelita Albert Einstein
Classification: Likely pathogenic for Neurodevelopmental-craniofacial syndrome with variable renal and cardiac abnormalities. Last evaluated: 2024-04-21. Review status: criteria provided, single submitter. Criteria: ACMG Guidelines, 2015. Collection method: clinical testing. Allele origin: germline. Affected: yes.
Comment: ACMG classification criteria: PVS1 very strong, PM2 supporting